The following is an entry in ClinVar:

NM_000138.5(FBN1):c.6773_6774del (p.Cys2258fs)

Gene: FBN1 (fibrillin 1; minus strand). Cytogenetic location: 15q21.1.
Variant type: Deletion.
Coding change: c.6773_6774del on transcript NM_000138.5 (MANE Select); coding-DNA positions 6773 to 6774, 2 bases deleted (GT; older notation c.6773_6774delGT).
Protein change: p.Cys2258fs; shifts the reading frame from cysteine 2258.
Molecular consequence: frameshift variant.
Genome position (GRCh38, 1-based): chr15:48,430,768-48,430,769, AC deleted on the plus strand (GT on the coding strand, the reverse complement: FBN1 is on the minus strand); deleting any 2 consecutive bases within chr15:48,430,768-48,430,770 gives the same sequence; the c. name uses the placement nearest the transcript's 3' end. VCF-style (leftmost placement, unchanged base first): chr15-48430767-TAC-T. GRCh37 (hg19) VCF-style: chr15-48722964-TAC-T.
Other names: short protein forms C2258fs.
Identifiers: ClinVar variation 549366 (VCV000549366.26), dbSNP rs1555394777, ClinGen allele CA658824928.

ClinVar aggregate classification (germline): Pathogenic. Review status: criteria provided, multiple submitters, no conflicts (2 of 4 stars). 3 submissions from 3 submitters: Pathogenic (2). 1 of the submissions does not count toward it. Last evaluated 2022-08-23.

Conditions:
Familial thoracic aortic aneurysm and aortic dissection (TAAD). Also called: Thoracic aortic aneurysms and dissections. Identifiers: Orphanet 91387, MedGen C4707243, MONDO:0019625.
Marfan syndrome (MFS). Also called: Marfan syndrome type 1; Marfan syndrome, classic; Marfan's syndrome; FBN1-Related Marfan Syndrome; MARFAN SYNDROME, TYPE I. Identifiers: Orphanet 284963, Orphanet 558, MedGen C0024796, MONDO:0007947, OMIM 154700.

Submissions (3):

Labcorp Genetics (formerly Invitae), Labcorp
Classification: Pathogenic for Marfan syndrome; Familial thoracic aortic aneurysm and aortic dissection. Last evaluated: 2022-08-23. Review status: criteria provided, single submitter. Criteria: Invitae Variant Classification Sherloc (09022015). Collection method: clinical testing. Allele origin: germline.
Comment: This premature translational stop signal has been observed in individual(s) with Marfan syndrome (PMID: 25907466). For these reasons, this variant has been classified as Pathogenic. ClinVar contains an entry for this variant (Variation ID: 549366). This variant is not present in population databases (gnomAD no frequency). This sequence change creates a premature translational stop signal (p.Cys2258Tyrfs*2) in the FBN1 gene. It is expected to result in an absent or disrupted protein product. Loss-of-function variants in FBN1 are known to be pathogenic (PMID: 17657824, 19293843).

Centre of Medical Genetics, University of Antwerp
Classification: Pathogenic for Marfan syndrome. Last evaluated: 2021-03-01. Review status: criteria provided, single submitter. Criteria: Submitter's publication. Collection method: research. Allele origin: unknown. Affected: yes.
Comment: PM2, PVS1, PP4

Center for Medical Genetics Ghent, University of Ghent
Classification: Likely pathogenic for Marfan syndrome. Last evaluated: 2017-11-07. Review status: no assertion criteria provided. Collection method: clinical testing. Allele origin: germline. Affected: yes. Not counted in ClinVar's aggregate classification.

Literature cited by the submitters: PubMed 25907466 (cited by Labcorp Genetics (formerly Invitae), Labcorp); PubMed 17657824 (cited by Labcorp Genetics (formerly Invitae), Labcorp); PubMed 19293843 (cited by Labcorp Genetics (formerly Invitae), Labcorp).